The following is an entry in ClinVar:

ClinVar aggregate classification (germline): Pathogenic (1 of 4 stars; one submission).

Submission:

Labcorp Genetics (formerly Invitae), Labcorp
Classification: Pathogenic. Last evaluated: 2023-12-05. Review status: criteria provided, single submitter. Criteria: Invitae Variant Classification Sherloc (09022015). Collection method: clinical testing. Allele origin: unknown.
Comment: This variant is a gross deletion of the genomic region encompassing exon(s) 2-14 of the VLDLR gene. This variant would be expected to be in-frame, preserving the integrity of the reading frame. This variant has not been reported in the literature in individuals affected with VLDLR-related conditions. This variant disrupts a region of the VLDLR protein in which other variant(s) (p.Asp487Tyr) have been determined to be pathogenic (PMID: 24498604, 25173816, 29371607, 30426380). This suggests that this is a clinically significant region of the protein, and that variants that disrupt it are likely to be disease-causing. For these reasons, this variant has been classified as Pathogenic.

Literature cited by the submitters: PubMed 24498604; PubMed 25173816; PubMed 29371607; PubMed 30426380.

NC_000009.11:g.(?_2635433)_(2648830_?)del

Gene: VLDLR (very low density lipoprotein receptor; plus strand). Cytogenetic location: 9p24.2.
Variant type: Deletion.
Identifiers: ClinVar variation 3245315 (VCV003245315.1).